The following is an entry in ClinVar:

NM_001355436.2(SPTB):c.5422G>A (p.Glu1808Lys)

Gene: SPTB (spectrin beta, erythrocytic; minus strand). Cytogenetic location: 14q23.3.
Variant type: single nucleotide variant.
Coding change: c.5422G>A on transcript NM_001355436.2 (MANE Select); coding-DNA position 5422, G replaced by A.
Protein change: p.Glu1808Lys; replaces glutamic acid 1808 with lysine.
Molecular consequence: missense variant.
Genome position (GRCh38, 1-based): chr14:64,772,711, C>T on the plus strand (G>A on the coding strand, the complement: SPTB is on the minus strand). VCF-style: chr14-64772711-C-T. GRCh37 (hg19) VCF-style: chr14-65239429-C-T.
Other names: NM_000347.5:c.5422G>A; c.5422G>A, p.Glu1808Lys (NM_001024858.4, NM_001355437.2); short protein forms E1808K.
Identifiers: ClinVar variation 1312819 (VCV001312819.8), dbSNP rs143950158, ClinGen allele CA7229975.

ClinVar aggregate classification (germline): Conflicting classifications of pathogenicity. Review status: criteria provided, conflicting classifications (1 of 4 stars). 4 submissions from 4 submitters: Uncertain significance (2); Benign (1); Likely benign (1). Last evaluated 2025-10-16.

Conditions:
Inborn genetic diseases. Identifiers: MedGen C0950123, MeSH D030342.

Allele frequency attached by ClinVar (database versions not stated): gnomAD 0.00006 and 0.00017; TOPMed 0.00008; ESP Exome Variant Server 0.00015; gnomAD exomes 0.00021 and 0.00046; ExAC 0.00051; 1000 Genomes Project 30x 0.00094; 1000 Genomes Project 0.00100.
gnomAD v4.1: 341 of 1,613,882 alleles (0.021%); highest among the groups gnomAD compares: South Asian, 0.25%; 3 homozygotes.

Submissions (4):

Labcorp Genetics (formerly Invitae), Labcorp
Classification: Benign. Last evaluated: 2025-10-16. Review status: criteria provided, single submitter. Criteria: Invitae Variant Classification Sherloc (09022015). Collection method: clinical testing. Allele origin: germline.

ARUP Laboratories, Molecular Genetics and Genomics, ARUP Laboratories
Classification: Likely benign. Last evaluated: 2024-12-09. Review status: criteria provided, single submitter. Criteria: ARUP Molecular Germline Variant Investigation Process 2024. Collection method: clinical testing. Allele origin: germline.

Ambry Genetics
Classification: Uncertain significance for Inborn genetic diseases. Last evaluated: 2024-12-02. Review status: criteria provided, single submitter. Criteria: Ambry Variant Classification Scheme 2023. Collection method: clinical testing. Allele origin: germline.

GeneDx
Classification: Uncertain significance. Last evaluated: 2020-06-25. Review status: criteria provided, single submitter. Criteria: GeneDx Variant Classification Process June 2021. Collection method: clinical testing. Allele origin: germline. Affected: yes.
Comment: In silico analysis supports that this missense variant has a deleterious effect on protein structure/function; Has not been previously published as pathogenic or benign to our knowledge